The following is an entry in ClinVar:

ClinVar aggregate classification (germline): Benign. Review status: reviewed by expert panel (3 of 4 stars). 3 submissions from 3 submitters: Benign (1). 2 of the submissions do not count toward it. Last evaluated 2025-08-03.

Conditions:
RPGR-related retinopathy. Also called: RPGR retinopathy. Identifiers: MedGen CN305589, MONDO:0100437.

Allele frequency attached by ClinVar (database versions not stated): gnomAD exomes 0.10322 and 0.06491; TOPMed 0.10396; 1000 Genomes Project 0.12927; 1000 Genomes Project 30x 0.12966; ExAC 0.06609; gnomAD 0.09330 and 0.09339.
gnomAD v4.1: 77,434 of 1,141,203 alleles (6.8%); highest among the groups gnomAD compares: Admixed American, 20%; 2,620 homozygotes.

Submissions (3):

ClinGen X-linked Inherited Retinal Disease Variant Curation Expert Panel, ClinGen
Classification: Benign for RPGR-related retinopathy. Last evaluated: 2025-08-03. Review status: reviewed by expert panel. Criteria: ClinGen X LinkedIRD ACMG Specifications RPGR V1.0.0. Collection method: curation. Allele origin: germline. Inheritance: X-linked inheritance.
Comment: NM_001034853.2(RPGR):c.1754-103C>T is an intron 14 variant located 103 nucleotides from exon 15. This variant is present in gnomAD v.4.1.0 at a frequency of 0.07251 among hemizygous individuals, with 25,060 variant alleles / 345,617 total hemizygous alleles, which is higher than the ClinGen X-linked IRD VCEP BA1 threshold of >0.00005 (BA1). The splicing impact predictor SpliceAI gives a delta score of 0.04, which is below the ClinGen X-linked IRD VCEP recommended threshold of <0.1 and does not strongly predict an impact on splicing (BP4). The variant is located outside of the splice acceptor region (BP7). In summary, this variant is classified as benign for RPGR-related retinopathy based on the ClinGen X-linked Inherited Retinal Disease Expert Panel Specifications to the ACMG/AMP Variant Interpretation Guidelines for RPGR Version 1.0.0; BA1, BP4, and BP7. (date of approval 05/16/2025).

GeneDx
Classification: Benign. Last evaluated: 2018-07-09. Review status: criteria provided, single submitter. Criteria: GeneDx Variant Classification Process June 2021. Collection method: clinical testing. Allele origin: germline. Affected: yes. Not counted in ClinVar's aggregate classification.

Breakthrough Genomics
Classification: Benign. Review status: criteria provided, single submitter. Criteria: ACMG Guidelines, 2015. Collection method: not provided. Allele origin: germline. Inheritance: X-linked inheritance. Affected: yes. Not counted in ClinVar's aggregate classification.

NM_001034853.2(RPGR):c.1754-103C>T

Gene: RPGR (retinitis pigmentosa GTPase regulator; minus strand). Cytogenetic location: Xp11.4.
Variant type: single nucleotide variant.
Coding change: c.1754-103C>T on transcript NM_001034853.2 (MANE Select); 103 bases into the intron before coding-DNA position 1754, C replaced by T.
Molecular consequence: intron variant.
Genome position (GRCh38, 1-based): chrX:38,287,348, G>A on the plus strand (C>T on the coding strand, the complement: RPGR is on the minus strand). VCF-style: chrX-38287348-G-A. GRCh37 (hg19) VCF-style: chrX-38146601-G-A.
Other names: c.1569+3611C>T (NM_001367249.1, NM_001367250.1); c.1751-103C>T (NM_001367245.1); c.1386+3611C>T (NM_001367251.1); c.1568-103C>T (NM_001367246.1); c.1572+3611C>T (NM_001367247.1); c.1754-103C>T (NM_000328.3); c.1602+3611C>T (NM_001367248.1).
Identifiers: ClinVar variation 1222758 (VCV001222758.5), dbSNP rs41303691, ClinGen allele CA10385350.